The following is an entry in ClinVar:

ClinVar aggregate classification (germline): Pathogenic (1 of 4 stars; one submission).

Conditions:
Hereditary cancer-predisposing syndrome. Also called: Neoplastic Syndromes, Hereditary; Tumor predisposition; Hereditary Cancer Syndrome; Hereditary neoplastic syndrome. Identifiers: Orphanet 140162, MedGen C0027672, MeSH D009386, MONDO:0015356.

Submission:

Ambry Genetics
Classification: Pathogenic for Hereditary cancer-predisposing syndrome. Last evaluated: 2025-07-18. Review status: criteria provided, single submitter. Criteria: Ambry Variant Classification Scheme 2023. Collection method: clinical testing. Allele origin: germline.
Comment: The c.921_922delAG variant, located in coding exon 5 of the RET gene, results from a deletion of two nucleotides at nucleotide positions 921 to 922, causing a translational frameshift with a predicted alternate stop codon (p.E309Afs*44). This alteration is expected to result in loss of function by premature protein truncation or nonsense-mediated mRNA decay. Based on the supporting evidence, this alteration is pathogenic for Hirschsprung disease; however, the association of this alteration with MEN2 is unlikely.

NM_020975.6(RET):c.921_922del (p.Glu309fs)

Gene: RET (ret proto-oncogene; plus strand). Cytogenetic location: 10q11.21.
Variant type: Deletion.
Coding change: c.921_922del on transcript NM_020975.6 (MANE Select); coding-DNA positions 921 to 922, 2 bases deleted (AG; older notation c.921_922delAG).
Protein change: p.Glu309fs; shifts the reading frame from glutamic acid 309.
Molecular consequence: frameshift variant. On other transcripts: intron variant (25).
Genome position (GRCh38, 1-based): chr10:43,106,429-43,106,430, AG deleted. VCF-style (leftmost placement, unchanged base first): chr10-43106428-CAG-C. GRCh37 (hg19) VCF-style: chr10-43601876-CAG-C.
Other names: c.626-2602_626-2601del (NM_001406771.1, NM_001406773.1); c.625+3800_625+3801del (NM_001406782.1, NM_001406780.1, NM_001406779.1 and 3 more transcripts); c.738+1236_738+1237del (NM_001406774.1); c.496+3800_496+3801del (NM_001406786.1, NM_001406783.1); c.338-2602_338-2601del (NM_001406778.1, NM_001406775.1, NM_001406776.1 and 1 more transcripts); c.338-5670_338-5669del (NM_001406790.1, NM_001406788.1, NM_001406789.1 and 1 more transcripts); c.74-2602_74-2601del (NM_001406784.1); c.74-5670_74-5669del (NM_001406794.1, NM_001406792.1, NM_001406793.1); and 5 more; short protein forms E213fs, E266fs, E309fs, E55fs.
Identifiers: ClinVar variation 4152793 (VCV004152793.1).